The following is an entry in ClinVar:

ClinVar aggregate classification (germline): Uncertain significance. Review status: criteria provided, multiple submitters, no conflicts (2 of 4 stars). 4 submissions from 4 submitters: Uncertain significance (4). Last evaluated 2024-10-29.

Conditions:
Inborn genetic diseases. Identifiers: MedGen C0950123, MeSH D030342.
Gamma-glutamylcysteine synthetase deficiency (CNSHA7). Also called: ANEMIA, CONGENITAL, NONSPHEROCYTIC HEMOLYTIC, 7. Identifiers: Orphanet 33574, MedGen C1856603, MONDO:0009259, OMIM 230450.

Allele frequency attached by ClinVar (database versions not stated): gnomAD 0.00001; gnomAD exomes 0.00002; TOPMed 0.00005; ExAC 0.00010.
gnomAD v4.1: 25 of 1,611,612 alleles (0.0016%); highest among the groups gnomAD compares: Admixed American, 0.04%; no homozygotes.

Submissions (4):

Ambry Genetics
Classification: Uncertain significance for Inborn genetic diseases. Last evaluated: 2024-10-29. Review status: criteria provided, single submitter. Criteria: Ambry Variant Classification Scheme 2023. Collection method: clinical testing. Allele origin: germline.

Revvity Omics, Revvity
Classification: Uncertain significance for Gamma-glutamylcysteine synthetase deficiency. Last evaluated: 2023-08-10. Review status: criteria provided, single submitter. Criteria: ACMG Guidelines, 2015. Collection method: clinical testing. Allele origin: germline.

Labcorp Genetics (formerly Invitae), Labcorp
Classification: Uncertain significance. Last evaluated: 2023-02-17. Review status: criteria provided, single submitter. Criteria: Invitae Variant Classification Sherloc (09022015). Collection method: clinical testing. Allele origin: germline.
Comment: This variant is present in population databases (rs765014293, gnomAD 0.06%). This sequence change replaces arginine, which is basic and polar, with isoleucine, which is neutral and non-polar, at codon 476 of the GCLC protein (p.Arg476Ile). This variant has not been reported in the literature in individuals affected with GCLC-related conditions. An algorithm developed to predict the effect of missense changes on protein structure and function (PolyPhen-2) suggests that this variant is likely to be disruptive. In summary, the available evidence is currently insufficient to determine the role of this variant in disease. Therefore, it has been classified as a Variant of Uncertain Significance.

Blueprint Genetics
Classification: Uncertain significance. Last evaluated: 2020-05-07. Review status: criteria provided, single submitter. Criteria: ACMG Guidelines, 2015. Collection method: clinical testing. Allele origin: germline.

NM_001498.4(GCLC):c.1427G>T (p.Arg476Ile)

Genes: GCLC-AS1 (GCLC antisense RNA 1; plus strand), GCLC (glutamate-cysteine ligase catalytic subunit; minus strand). Cytogenetic location: 6p12.1.
Variant type: single nucleotide variant.
Coding change: c.1427G>T on transcript NM_001498.4 (MANE Select); coding-DNA position 1427, G replaced by T.
Protein change: p.Arg476Ile; replaces arginine 476 with isoleucine.
Molecular consequence: missense variant.
Genome position (GRCh38, 1-based): chr6:53,500,482, C>A on the plus strand (G>T on the coding strand, the complement: GCLC is on the minus strand). VCF-style: chr6-53500482-C-A. GRCh37 (hg19) VCF-style: chr6-53365280-C-A.
Other names: c.1313G>T, p.Arg438Ile (NM_001197115.2); c.1427G>T (NM_001498.3); short protein forms R438I, R476I.
Identifiers: ClinVar variation 2084290 (VCV002084290.6), dbSNP rs765014293, ClinGen allele CA3860073.